The following is an entry in ClinVar:

ClinVar aggregate classification (germline): Uncertain significance (1 of 4 stars; one submission).

Conditions:
Myofibrillar myopathy 5. Also called: Filaminopathy (type); FILAMINOPATHY, AUTOSOMAL DOMINANT. Identifiers: Orphanet 171445, MedGen C1836050, MONDO:0012289, OMIM 609524.
Distal myopathy with posterior leg and anterior hand involvement. Also called: WILLIAMS DISTAL MYOPATHY. Identifiers: Orphanet 63273, MedGen C3279722, MONDO:0013550, OMIM 614065.
Hypertrophic cardiomyopathy 26. Also called: Cardiomyopathy, familial hypertrophic, 26. Identifiers: Orphanet 75249, MedGen C4310749, MONDO:0014883, OMIM 617047.

Submission:

Labcorp Genetics (formerly Invitae), Labcorp
Classification: Uncertain significance for Distal myopathy with posterior leg and anterior hand involvement; Myofibrillar myopathy 5; Hypertrophic cardiomyopathy 26. Last evaluated: 2024-07-08. Review status: criteria provided, single submitter. Criteria: Invitae Variant Classification Sherloc (09022015). Collection method: clinical testing. Allele origin: germline.
Comment: This sequence change replaces glycine, which is neutral and non-polar, with alanine, which is neutral and non-polar, at codon 837 of the FLNC protein (p.Gly837Ala). This variant is present in population databases (no rsID available, gnomAD 0.003%). This variant has not been reported in the literature in individuals affected with FLNC-related conditions. Advanced modeling of protein sequence and biophysical properties (such as structural, functional, and spatial information, amino acid conservation, physicochemical variation, residue mobility, and thermodynamic stability) has been performed at Invitae for this missense variant, however the output from this modeling did not meet the statistical confidence thresholds required to predict the impact of this variant on FLNC protein function. In summary, the available evidence is currently insufficient to determine the role of this variant in disease. Therefore, it has been classified as a Variant of Uncertain Significance.

NM_001458.5(FLNC):c.2510G>C (p.Gly837Ala)

Gene: FLNC (filamin C; plus strand). Cytogenetic location: 7q32.1.
Variant type: single nucleotide variant.
Coding change: c.2510G>C on transcript NM_001458.5 (MANE Select); coding-DNA position 2510, G replaced by C.
Protein change: p.Gly837Ala; replaces glycine 837 with alanine.
Molecular consequence: missense variant.
Genome position (GRCh38, 1-based): chr7:128,842,914, G>C. VCF-style: chr7-128842914-G-C. GRCh37 (hg19) VCF-style: chr7-128482968-G-C.
Other names: c.2510G>C, p.Gly837Ala (NM_001127487.2); short protein forms G837A.
Identifiers: ClinVar variation 3754730 (VCV003754730.2).